The following is an entry in ClinVar:

NM_003334.4(UBA1):c.1328A>G (p.Lys443Arg)

Gene: UBA1 (ubiquitin like modifier activating enzyme 1; plus strand). Cytogenetic location: Xp11.3.
Variant type: single nucleotide variant.
Coding change: c.1328A>G on transcript NM_003334.4 (MANE Select); coding-DNA position 1328, A replaced by G.
Protein change: p.Lys443Arg; replaces lysine 443 with arginine.
Molecular consequence: missense variant.
Genome position (GRCh38, 1-based): chrX:47,203,037, A>G. VCF-style: chrX-47203037-A-G. GRCh37 (hg19) VCF-style: chrX-47062436-A-G.
Other names: c.1328A>G, p.Lys443Arg (NM_153280.3); short protein forms K443R.
Identifiers: ClinVar variation 1167115 (VCV001167115.11), dbSNP rs888369922, ClinGen allele CA329035332.

ClinVar aggregate classification (germline): Conflicting classifications of pathogenicity. Review status: criteria provided, conflicting classifications (1 of 4 stars). 2 submissions from 2 submitters: Uncertain significance (1); Benign (1). Last evaluated 2026-01-26.

Conditions:
Infantile-onset X-linked spinal muscular atrophy. Also called: Spinal Muscular Atrophy, X-Linked Infantile; Spinal muscular atrophy, X-linked 2; SPINAL MUSCULAR ATROPHY, X-LINKED LETHAL INFANTILE; AMC, DISTAL, X-LINKED; ARTHROGRYPOSIS, X-LINKED, TYPE I. Identifiers: Orphanet 1145, MedGen C1844934, MONDO:0010532, OMIM 301830.
Inborn genetic diseases. Identifiers: MedGen C0950123, MeSH D030342.

Allele frequency attached by ClinVar (database versions not stated): gnomAD exomes 0.00001 and 0.00003; gnomAD 0.00002; TOPMed 0.00002.
gnomAD v4.1: 15 of 1,208,296 alleles (0.0012%); highest among the groups gnomAD compares: Middle Eastern, 0.023%; no homozygotes.

Submissions (2):

Labcorp Genetics (formerly Invitae), Labcorp
Classification: Benign for Infantile-onset X-linked spinal muscular atrophy. Last evaluated: 2026-01-26. Review status: criteria provided, single submitter. Criteria: Invitae Variant Classification Sherloc (09022015). Collection method: clinical testing. Allele origin: germline.

Ambry Genetics
Classification: Uncertain significance for Inborn genetic diseases. Last evaluated: 2020-11-09. Review status: criteria provided, single submitter. Criteria: Ambry Variant Classification Scheme 2023. Collection method: clinical testing. Allele origin: germline.
Comment: The p.K443R variant (also known as c.1328A>G), located in coding exon 11 of the UBA1 gene, results from an A to G substitution at nucleotide position 1328. The lysine at codon 443 is replaced by arginine, an amino acid with highly similar properties. Based on data from gnomAD, the G allele has an overall frequency of 0.003% (5/183346) total alleles studied, with 2 hemizygotes observed. The highest observed frequency was 0.018% (5/27410) of Latino alleles. This amino acid position is not well conserved in available vertebrate species. In addition, this alteration is predicted to be tolerated by in silico analysis. Since supporting evidence is limited at this time, the clinical significance of this alteration remains unclear.